The following is an entry in ClinVar:

ClinVar aggregate classification (germline): Likely pathogenic. Review status: criteria provided, multiple submitters, no conflicts (2 of 4 stars). 2 submissions from 2 submitters: Likely pathogenic (2). Last evaluated 2025-07-02.

Conditions:
STAT3 gain of function. Identifiers: MedGen C4288261.
Hyper-IgE recurrent infection syndrome 1, autosomal dominant. Also called: JOB SYNDROME; Hyper-IgE recurrent infection syndrome 1; HYPER-IgE SYNDROME 1, AUTOSOMAL DOMINANT, WITH RECURRENT INFECTIONS; STAT3 Hyper IgE Syndrome; Job's Syndrome. Identifiers: Orphanet 2314, MedGen C2936739, MONDO:0007818, OMIM 147060.

Submissions (2):

Labcorp Genetics (formerly Invitae), Labcorp
Classification: Likely pathogenic for STAT3 gain of function; Hyper-IgE recurrent infection syndrome 1, autosomal dominant. Last evaluated: 2025-07-02. Review status: criteria provided, single submitter. Criteria: Invitae Variant Classification Sherloc (09022015). Collection method: clinical testing. Allele origin: germline.
Comment: This sequence change replaces lysine, which is basic and polar, with glutamic acid, which is acidic and polar, at codon 709 of the STAT3 protein (p.Lys709Glu). This variant is not present in population databases (gnomAD no frequency). This missense change has been observed in individuals with hyper IgE syndrome (PMID: 22084479, 22751495, 34390440; internal data). ClinVar contains an entry for this variant (Variation ID: 449411). An algorithm developed to predict the effect of missense changes on protein structure and function (PolyPhen-2) suggests that this variant is likely to be tolerated. In summary, the currently available evidence indicates that the variant is pathogenic, but additional data are needed to prove that conclusively. Therefore, this variant has been classified as Likely Pathogenic.

GeneDx
Classification: Likely pathogenic. Last evaluated: 2017-09-05. Review status: criteria provided, single submitter. Criteria: GeneDx Variant Classification (06012015). Collection method: clinical testing. Allele origin: germline. Affected: yes.
Comment: The K709E variant has been published previsouly in association with Hyper-IgE syndrome (de Beaucoudrey et al., 2008; Chandesris et al., 2012). The variant is not observed in large population cohorts (Lek et al., 2016; 1000 Genomes Consortium et al., 2015; Exome Variant Server). K709E is a non-conservative amino acid substitution, which is likely to impact secondary protein structure as these residues differ in polarity, charge, size and/or other properties. This substitution occurs at a position within the transactivation domain that is conserved across species (Chandesris et al., 2012). In silico analysis is inconsistent in its predictions as to whether or not the variant is damaging to the protein structure/function. Functional studies are also conflicting for this variant. One stimulated phosphorylation study of transfected COS cells demonstrated K709E was activated at a similar rate to wild type (Inoue et al., 1997). However, another study using immortalized patient cells showed K709E resulted in reduced activation of STAT3 and subsequently lower levels of activated STAT3 within the nucleus (Chandesris et al., 2012). In summary, this variant is likely pathogenic; however, the possibility that it is benign cannot be excluded.

Literature cited by the submitters: PubMed 22084479 (cited by Labcorp Genetics (formerly Invitae), Labcorp); PubMed 22751495 (cited by Labcorp Genetics (formerly Invitae), Labcorp); PubMed 34390440 (cited by Labcorp Genetics (formerly Invitae), Labcorp).

NM_139276.3(STAT3):c.2125A>G (p.Lys709Glu)

Gene: STAT3 (signal transducer and activator of transcription 3; minus strand). Cytogenetic location: 17q21.2.
Variant type: single nucleotide variant.
Coding change: c.2125A>G on transcript NM_139276.3 (MANE Select); coding-DNA position 2125, A replaced by G.
Protein change: p.Lys709Glu; replaces lysine 709 with glutamic acid.
Molecular consequence: missense variant. On other transcripts: intron variant (1).
Genome position (GRCh38, 1-based): chr17:42,317,201, T>C on the plus strand (A>G on the coding strand, the complement: STAT3 is on the minus strand). VCF-style: chr17-42317201-T-C. GRCh37 (hg19) VCF-style: chr17-40469219-T-C.
Other names: c.2125A>G, p.Lys709Glu (NM_001369512.1, NM_001369513.1, NM_001369517.1 and 3 more transcripts); c.2122A>G, p.Lys708Glu (NM_001369514.1, NM_001369516.1, NM_001369519.1 and 2 more transcripts); c.2041A>G, p.Lys681Glu (NM_001384984.1); c.2047A>G, p.Lys683Glu (NM_001384985.1); c.2137A>G, p.Lys713Glu (NM_001384986.1); c.2104A>G, p.Lys702Glu (NM_001384987.1); c.2026A>G, p.Lys676Glu (NM_001384989.1); c.2140A>G, p.Lys714Glu (NM_001384990.1); and 3 more; short protein forms K709E, K708E, K676E, K681E, K683E, K689E, K700E, K702E.
Identifiers: ClinVar variation 449411 (VCV000449411.4), dbSNP rs1555562364, ClinGen allele CA399580215.
Genomic context (GRCh38, chr17:42,317,201, plus strand): 5'-TATTAGAAATGAAGGCAAAACGGGGAAAGGAAGCCACTTACGGTGTCACACAGATAAACT[T>C]GGTCTTCAGGTATGGGGCAGCGCCTGGGAAGAAGAAAACCAGTTTTCTTACTGACTGTGA-3'
Protein context (NP_644805.1, residues 699-719): PGSAAPYLKT[Lys709Glu]FICVTPTTCS